The following is an entry in ClinVar:

NM_020312.4(COQ9):c.443A>C (p.His148Pro)

Gene: COQ9 (coenzyme Q9; plus strand). Cytogenetic location: 16q21.
Variant type: single nucleotide variant.
Coding change: c.443A>C on transcript NM_020312.4 (MANE Select); coding-DNA position 443, A replaced by C.
Protein change: p.His148Pro; replaces histidine 148 with proline.
Molecular consequence: missense variant.
Genome position (GRCh38, 1-based): chr16:57,456,568, A>C. VCF-style: chr16-57456568-A-C. GRCh37 (hg19) VCF-style: chr16-57490480-A-C.
Other names: p.H148P:CAT>CCT; c.443A>C (NM_020312.3); short protein forms H148P.
Identifiers: ClinVar variation 214246 (VCV000214246.5), dbSNP rs191446011, ClinGen allele CA324377.

ClinVar aggregate classification (germline): Uncertain significance. Review status: criteria provided, multiple submitters, no conflicts (2 of 4 stars). 3 submissions from 3 submitters: Uncertain significance (3). Last evaluated 2025-03-08.

Conditions:
COQ9-related disorder. Also called: COQ9-related condition.

Allele frequency attached by ClinVar (database versions not stated): TOPMed 0.00002; gnomAD 0.00003; gnomAD exomes 0.00003; ExAC 0.00005; ESP Exome Variant Server 0.00015; 1000 Genomes Project 30x 0.00016; 1000 Genomes Project 0.00020.

Submissions (3):

PreventionGenetics, part of Exact Sciences
Classification: Uncertain significance for COQ9-related condition. Last evaluated: 2025-03-08. Review status: criteria provided, single submitter. Criteria: ACMG Guidelines, 2015. Collection method: clinical testing. Allele origin: germline.
Comment: The COQ9 c.443A>C variant is predicted to result in the amino acid substitution p.His148Pro. To our knowledge, this variant has not been reported in the literature. This variant is reported in 0.0062% of alleles in individuals of European (Non-Finnish) descent in gnomAD. At this time, the clinical significance of this variant is uncertain due to the absence of conclusive functional and genetic evidence.

Labcorp Genetics (formerly Invitae), Labcorp
Classification: Uncertain significance. Last evaluated: 2022-08-19. Review status: criteria provided, single submitter. Criteria: Invitae Variant Classification Sherloc (09022015). Collection method: clinical testing. Allele origin: germline.
Comment: This sequence change replaces histidine, which is basic and polar, with proline, which is neutral and non-polar, at codon 148 of the COQ9 protein (p.His148Pro). This variant is present in population databases (rs191446011, gnomAD 0.007%). This variant has not been reported in the literature in individuals affected with COQ9-related conditions. ClinVar contains an entry for this variant (Variation ID: 214246). Algorithms developed to predict the effect of missense changes on protein structure and function (SIFT, PolyPhen-2, Align-GVGD) all suggest that this variant is likely to be disruptive. In summary, the available evidence is currently insufficient to determine the role of this variant in disease. Therefore, it has been classified as a Variant of Uncertain Significance.

GeneDx
Classification: Uncertain significance. Last evaluated: 2014-05-16. Review status: criteria provided, single submitter. Criteria: GeneDx Variant Classification (06012015). Collection method: clinical testing. Allele origin: germline. Affected: yes.
Comment: p.His148Pro (CAT>CCT): c.443 A>C in exon 4 of the COQ9 gene (NM_020312.1). The H148P variant has not been published as a mutation, nor has it been reported as a benign polymorphism to our knowledge. The variant is a non-conservative amino acid substitution, which is likely to impact secondary protein structure as these residues differ in polarity, charge, size and/or other properties. This substitution occurs at a position that is conserved across species and in silico analysis predicts this variant is probably damaging to the protein structure/function. However, to our knowledge, missense mutations have not been reported in the COQ9 gene. Therefore, based on the currently available information, it is unclear whether this variant is a pathogenic mutation or a rare benign variant. The variant is found in MITONUC-MITOP panel(s).